The following is an entry in ClinVar:

ClinVar aggregate classification (germline): Uncertain significance. Review status: criteria provided, multiple submitters, no conflicts (2 of 4 stars). 2 submissions from 2 submitters: Uncertain significance (2). Last evaluated 2022-07-12.

Conditions:
Autosomal recessive axonal neuropathy with neuromyotonia (NMAN). Also called: Gamstorp-Wohlfart syndrome; MYOKYMIA, MYOTONIA, AND MUSCLE WASTING; Neuromyotonia and axonal neuropathy, autosomal recessive. Identifiers: Orphanet 324442, MedGen C5700127, MONDO:0007646, OMIM 137200.
Inborn genetic diseases. Identifiers: MedGen C0950123, MeSH D030342.

Allele frequency attached by ClinVar (database versions not stated): TOPMed 0.00001.
gnomAD v4.1: 4 of 1,612,994 alleles (0.00025%); highest among the groups gnomAD compares: African/African-American, 0.0013%; no homozygotes.

Submissions (2):

Labcorp Genetics (formerly Invitae), Labcorp
Classification: Uncertain significance for Autosomal recessive axonal neuropathy with neuromyotonia. Last evaluated: 2022-07-12. Review status: criteria provided, single submitter. Criteria: Invitae Variant Classification Sherloc (09022015). Collection method: clinical testing. Allele origin: germline.
Comment: In summary, the available evidence is currently insufficient to determine the role of this variant in disease. Therefore, it has been classified as a Variant of Uncertain Significance. Algorithms developed to predict the effect of missense changes on protein structure and function are either unavailable or do not agree on the potential impact of this missense change (SIFT: "Tolerated"; PolyPhen-2: "Possibly Damaging"; Align-GVGD: "Class C0"). ClinVar contains an entry for this variant (Variation ID: 840807). This variant has not been reported in the literature in individuals affected with HINT1-related conditions. This variant is present in population databases (no rsID available, gnomAD 0.0009%). This sequence change replaces threonine, which is neutral and polar, with proline, which is neutral and non-polar, at codon 50 of the HINT1 protein (p.Thr50Pro).

Ambry Genetics
Classification: Uncertain significance for Inborn genetic diseases. Last evaluated: 2020-01-13. Review status: criteria provided, single submitter. Criteria: Ambry Variant Classification Scheme 2023. Collection method: clinical testing. Allele origin: germline.
Comment: The p.T50P variant (also known as c.148A>C), located in coding exon 2 of the HINT1 gene, results from an A to C substitution at nucleotide position 148. The threonine at codon 50 is replaced by proline, an amino acid with highly similar properties. This amino acid position is well conserved in available vertebrate species. In addition, the in silico prediction for this alteration is inconclusive. Since supporting evidence is limited at this time, the clinical significance of this alteration remains unclear.

NM_005340.7(HINT1):c.148A>C (p.Thr50Pro)

Gene: HINT1 (histidine triad nucleotide binding protein 1; minus strand). Cytogenetic location: 5q23.3.
Variant type: single nucleotide variant.
Coding change: c.148A>C on transcript NM_005340.7 (MANE Select); coding-DNA position 148, A replaced by C.
Protein change: p.Thr50Pro; replaces threonine 50 with proline.
Molecular consequence: missense variant. On other transcripts: non-coding transcript variant (5).
Genome position (GRCh38, 1-based): chr5:131,162,640, T>G on the plus strand (A>C on the coding strand, the complement: HINT1 is on the minus strand). VCF-style: chr5-131162640-T-G. GRCh37 (hg19) VCF-style: chr5-130498333-T-G.
Other names: short protein forms T50P.
Identifiers: ClinVar variation 840807 (VCV000840807.12), dbSNP rs368167215, ClinGen allele CA360838802.